The following is an entry in ClinVar:

ClinVar aggregate classification (germline): Uncertain significance. Review status: criteria provided, multiple submitters, no conflicts (2 of 4 stars). 2 submissions from 2 submitters: Uncertain significance (2). Last evaluated 2025-08-28.

Conditions:
Inborn genetic diseases. Identifiers: MedGen C0950123, MeSH D030342.
Fanconi anemia (FA). Also called: Fanconi's anemia. Identifiers: Orphanet 84, MedGen C0015625, MeSH D005199, MONDO:0019391.

gnomAD v4.1: 5 of 1,551,374 alleles (0.00032%); highest among the groups gnomAD compares: South Asian, 0.0059%; no homozygotes.

Submissions (2):

Ambry Genetics
Classification: Uncertain significance for Inborn genetic diseases. Last evaluated: 2025-08-28. Review status: criteria provided, single submitter. Criteria: Ambry Variant Classification Scheme 2023. Collection method: clinical testing. Allele origin: germline.

Labcorp Genetics (formerly Invitae), Labcorp
Classification: Uncertain significance for Fanconi anemia. Last evaluated: 2024-05-08. Review status: criteria provided, single submitter. Criteria: Invitae Variant Classification Sherloc (09022015). Collection method: clinical testing. Allele origin: germline.
Comment: This sequence change replaces serine, which is neutral and polar, with phenylalanine, which is neutral and non-polar, at codon 663 of the FANCA protein (p.Ser663Phe). The frequency data for this variant in the population databases is considered unreliable, as metrics indicate poor data quality at this position in the gnomAD database. This variant has not been reported in the literature in individuals affected with FANCA-related conditions. Advanced modeling of protein sequence and biophysical properties (such as structural, functional, and spatial information, amino acid conservation, physicochemical variation, residue mobility, and thermodynamic stability) performed at Invitae indicates that this missense variant is not expected to disrupt FANCA protein function with a negative predictive value of 80%. In summary, the available evidence is currently insufficient to determine the role of this variant in disease. Therefore, it has been classified as a Variant of Uncertain Significance.

NM_000135.4(FANCA):c.1988C>T (p.Ser663Phe)

Gene: FANCA (FA complementation group A; minus strand). Cytogenetic location: 16q24.3.
Variant type: single nucleotide variant.
Coding change: c.1988C>T on transcript NM_000135.4 (MANE Select); coding-DNA position 1988, C replaced by T.
Protein change: p.Ser663Phe; replaces serine 663 with phenylalanine.
Molecular consequence: missense variant.
Genome position (GRCh38, 1-based): chr16:89,773,297, G>A on the plus strand (C>T on the coding strand, the complement: FANCA is on the minus strand). VCF-style: chr16-89773297-G-A. GRCh37 (hg19) VCF-style: chr16-89839705-G-A.
Other names: c.1988C>T, p.Ser663Phe (NM_001286167.3); short protein forms S663F.
Identifiers: ClinVar variation 3666155 (VCV003666155.4).